The following is an entry in ClinVar:

ClinVar aggregate classification (germline): Uncertain significance. Review status: criteria provided, multiple submitters, no conflicts (2 of 4 stars). 3 submissions from 3 submitters: Uncertain significance (3). Last evaluated 2026-04-01.

Conditions:
Multiple endocrine neoplasia, type 2 (MEN2). Identifiers: Orphanet 653, MedGen C4048306, MONDO:0019003. Disease mechanism: gain of function.

gnomAD v4.1: 3 of 1,613,158 alleles (0.00019%); highest among the groups gnomAD compares: Non-Finnish European, 0.00025%; no homozygotes.

Submissions (3):

CeGaT Center for Human Genetics Tuebingen
Classification: Uncertain significance. Last evaluated: 2026-04-01. Review status: criteria provided, single submitter. Criteria: CeGaT Center For Human Genetics Tuebingen Variant Classification Criteria Version 2. Collection method: clinical testing. Allele origin: germline. Affected: yes. Observed: 1 variant allele.
Comment: RET: PS4:Moderate, PP3

Women's Health and Genetics/Laboratory Corporation of America, LabCorp
Classification: Uncertain significance. Last evaluated: 2022-11-25. Review status: criteria provided, single submitter. Criteria: LabCorp Variant Classification Summary - May 2015. Collection method: clinical testing. Allele origin: germline.
Comment: Variant summary: RET c.2711C>G (p.Ser904Cys) results in a non-conservative amino acid change located in the Serine-threonine/tyrosine-protein kinase, catalytic domain of the encoded protein sequence. Four of five in-silico tools predict a damaging effect of the variant on protein function. The variant was absent in 249546 control chromosomes. The available data on variant occurrences in the general population are insufficient to allow any conclusion about variant significance. c.2711C>G has been reported in the literature in at least one family affected with medullary thyroid cancer and mucosal neurilemmomas. Patients also carry a pathogenic variant (p.Val804Met) in cis. This report does not provide unequivocal conclusions about association of the variant with Multiple Endocrine Neoplasia Type 2. To our knowledge, no experimental evidence demonstrating an impact on protein function has been reported. One clinical diagnostic laboratory has submitted clinical-significance assessments for this variant to ClinVar after 2014 without evidence for independent evaluation and classified the variant as uncertain significance. Based on the evidence outlined above, the variant was classified as uncertain significance.

Labcorp Genetics (formerly Invitae), Labcorp
Classification: Uncertain significance for Multiple endocrine neoplasia, type 2. Last evaluated: 2021-11-02. Review status: criteria provided, single submitter. Criteria: Invitae Variant Classification Sherloc (09022015). Collection method: clinical testing. Allele origin: germline.
Comment: This missense change has been observed in individual(s) with medullary thyroid cancer who also had a pathogenic RET variant on the same chromosome (PMID: 11788682). This sequence change replaces serine, which is neutral and polar, with cysteine, which is neutral and slightly polar, at codon 904 of the RET protein (p.Ser904Cys). This variant is not present in population databases (gnomAD no frequency). Algorithms developed to predict the effect of missense changes on protein structure and function are either unavailable or do not agree on the potential impact of this missense change (SIFT: "Deleterious"; PolyPhen-2: "Probably Damaging"; Align-GVGD: "Class C0"). In summary, the available evidence is currently insufficient to determine the role of this variant in disease. Therefore, it has been classified as a Variant of Uncertain Significance.

Literature cited by the submitters: PubMed 11788682 (cited by Women's Health and Genetics/Laboratory Corporation of America, LabCorp and Labcorp Genetics (formerly Invitae), Labcorp).

NM_020975.6(RET):c.2711C>G (p.Ser904Cys)

Gene: RET (ret proto-oncogene; plus strand). Cytogenetic location: 10q11.21.
Variant type: single nucleotide variant.
Coding change: c.2711C>G on transcript NM_020975.6 (MANE Select); coding-DNA position 2711, C replaced by G.
Protein change: p.Ser904Cys; replaces serine 904 with cysteine.
Molecular consequence: missense variant.
Genome position (GRCh38, 1-based): chr10:43,120,184, C>G. VCF-style: chr10-43120184-C-G. GRCh37 (hg19) VCF-style: chr10-43615632-C-G.
Other names: c.2711C>G, p.Ser904Cys (NM_000323.2, NM_001406743.1, NM_001406744.1 and 4 more transcripts); c.1949C>G, p.Ser650Cys (NM_001355216.2); c.2582C>G, p.Ser861Cys (NM_001406761.1, NM_001406762.1, NM_001406764.1); c.2576C>G, p.Ser859Cys (NM_001406763.1, NM_001406765.1); c.2423C>G, p.Ser808Cys (NM_001406766.1, NM_001406767.1, NM_001406770.1); c.2447C>G, p.Ser816Cys (NM_001406768.1); c.2315C>G, p.Ser772Cys (NM_001406769.1, NM_001406772.1); c.2273C>G, p.Ser758Cys (NM_001406771.1, NM_001406773.1); and 10 more; short protein forms S904C, S650C, S469C, S560C, S562C, S565C, S772C, S421C.
Identifiers: ClinVar variation 24962 (VCV000024962.10), dbSNP rs267607011, ClinGen allele CA009020.